The following is an entry in ClinVar:

ClinVar aggregate classification (germline): Uncertain significance. Review status: criteria provided, multiple submitters, no conflicts (2 of 4 stars). 2 submissions from 2 submitters: Uncertain significance (2). Last evaluated 2022-03-31.

Conditions:
Niemann-Pick disease, type C1. Also called: NIEMANN-PICK DISEASE, VARIANT TYPE C1; NEUROVISCERAL STORAGE DISEASE WITH VERTICAL SUPRANUCLEAR OPHTHALMOPLEGIA; NIEMANN-PICK DISEASE WITH CHOLESTEROL ESTERIFICATION BLOCK; NIEMANN-PICK DISEASE WITHOUT SPHINGOMYELINASE DEFICIENCY; NIEMANN-PICK DISEASE, CHRONIC NEURONOPATHIC FORM. Identifiers: Orphanet 646, MedGen C3179455, MONDO:0009757, OMIM 257220.

Submissions (2):

Victorian Clinical Genetics Services, Murdoch Childrens Research Institute
Classification: Uncertain significance for Niemann-Pick disease, type C1. Last evaluated: 2022-03-31. Review status: criteria provided, single submitter. Criteria: ACMG Guidelines, 2015. Collection method: clinical testing. Allele origin: germline. Inheritance: Autosomal recessive inheritance.
Comment: Based on the classification scheme VCGS_Germline_v1.3.4, this variant is classified as VUS-3B. Following criteria are met: 0102 - Loss of function is a known mechanism of disease in this gene and is associated with Niemann-Pick disease, type C1 and type D (MIM#257220). (I) 0106 - This gene is associated with autosomal recessive disease. (I) 0200 - Variant is predicted to result in a missense amino acid change from proline to arginine. (I) 0251 - This variant is heterozygous. (I) 0301 - Variant is absent from gnomAD (both v2 and v3). (SP) 0502 - Missense variant with conflicting in silico predictions and uninformative conservation. (I) 0604 - Variant is not located in an established domain, motif, hotspot or informative constraint region. (I) 0705 - No comparable missense variants have previous evidence for pathogenicity. (I) 0807 - This variant has no previous evidence of pathogenicity. (I) 0905 - No published segregation evidence has been identified for this variant. (I) 1007 - No published functional evidence has been identified for this variant. (I) 1208 - Inheritance information for this variant is not currently available in this individual. (I) Legend: (SP) - Supporting pathogenic, (I) - Information, (SB) - Supporting benign

Molecular Genetics, Royal Melbourne Hospital
Classification: Uncertain significance for Niemann-Pick disease, type C1. Last evaluated: 2020-11-20. Review status: criteria provided, single submitter. Criteria: ACMG Guidelines, 2015. Collection method: clinical testing. Allele origin: germline.
Comment: This sequence change is predicted to replace proline with arginine at codon 430 of the NPC1 protein (p.(Pro430Arg)). The proline residue is moderately conserved (100 vertebrates, UCSC), and is located in a beta strand in the lumenal region of the protein that is predicted to have a role in lipid transporter activity. There is a large physicochemical difference between proline and arginine. The variant is absent in a large population cohort (PM2; gnomAD v2.1 and v3.0), and has not been reported in the relevant medical literature or databases. Multiple lines of computational evidence have conflicting predictions for the missense substitution (3/6 algorithms predict deleterious). Based on the classification scheme RMH ACMG Guidelines v1.2.1, this variant is classified as a VARIANT OF UNCERTAIN SIGNIFICANCE. Following criteria are met: PM2.

NM_000271.5(NPC1):c.1289C>G (p.Pro430Arg)

Gene: NPC1 (NPC intracellular cholesterol transporter 1; minus strand). Cytogenetic location: 18q11.2.
Variant type: single nucleotide variant.
Coding change: c.1289C>G on transcript NM_000271.5 (MANE Select); coding-DNA position 1289, C replaced by G.
Protein change: p.Pro430Arg; replaces proline 430 with arginine.
Molecular consequence: missense variant.
Genome position (GRCh38, 1-based): chr18:23,556,280, G>C on the plus strand (C>G on the coding strand, the complement: NPC1 is on the minus strand). VCF-style: chr18-23556280-G-C. GRCh37 (hg19) VCF-style: chr18-21136244-G-C.
Other names: c.1289C>G (NM_000271.4); short protein forms P430R.
Identifiers: ClinVar variation 1678626 (VCV001678626.3), dbSNP rs2145455455, ClinGen allele CA401777198.
Genomic context (GRCh38, chr18:23,556,280, plus strand): 5'-TATTTCTTCAAACAGCAGGTTACCTGGTGCAGTATCTGTATGTCAAGCGGAGGTCCAAAG[G>C]GTACATCAGCTCCCGAAGGGTATGGCTGGTAAATGTGTTTGTCAGTGAGAGGGGCCCGGA-3'
Protein context (NP_000262.2, residues 420-440): YQPYPSGADV[Pro430Arg]FGPPLDIQIL